The following is an entry in ClinVar:

NM_000092.5(COL4A4):c.1232G>T (p.Gly411Val)

Gene: COL4A4 (collagen type IV alpha 4 chain; minus strand). Cytogenetic location: 2q36.3.
Variant type: single nucleotide variant.
Coding change: c.1232G>T on transcript NM_000092.5 (MANE Select); coding-DNA position 1232, G replaced by T.
Protein change: p.Gly411Val; replaces glycine 411 with valine.
Molecular consequence: missense variant.
Genome position (GRCh38, 1-based): chr2:227,094,262, C>A on the plus strand (G>T on the coding strand, the complement: COL4A4 is on the minus strand). VCF-style: chr2-227094262-C-A. GRCh37 (hg19) VCF-style: chr2-227958978-C-A.
Other names: short protein forms G411V.
Identifiers: ClinVar variation 4800357 (VCV004800357.1).

ClinVar aggregate classification (germline): Uncertain significance (1 of 4 stars; one submission).

Submission:

Labcorp Genetics (formerly Invitae), Labcorp
Classification: Uncertain significance. Last evaluated: 2025-08-06. Review status: criteria provided, single submitter. Criteria: Invitae Variant Classification Sherloc (09022015). Collection method: clinical testing. Allele origin: germline.
Comment: This sequence change replaces glycine, which is neutral and non-polar, with valine, which is neutral and non-polar, at codon 411 of the COL4A4 protein (p.Gly411Val). This variant is not present in population databases (gnomAD no frequency). This variant has not been reported in the literature in individuals affected with COL4A4-related conditions. Invitae Evidence Modeling of protein sequence and biophysical properties (such as structural, functional, and spatial information, amino acid conservation, physicochemical variation, residue mobility, and thermodynamic stability) indicates that this missense variant is expected to disrupt COL4A4 protein function with a positive predictive value of 95%. In summary, the available evidence is currently insufficient to determine the role of this variant in disease. Therefore, it has been classified as a Variant of Uncertain Significance.